The following is an entry in ClinVar:

NM_004055.5(CAPN5):c.1232G>A (p.Arg411Gln)

Gene: CAPN5 (calpain 5; plus strand). Cytogenetic location: 11q13.5.
Variant type: single nucleotide variant.
Coding change: c.1232G>A on transcript NM_004055.5 (MANE Select); coding-DNA position 1232, G replaced by A.
Protein change: p.Arg411Gln; replaces arginine 411 with glutamine.
Molecular consequence: missense variant.
Genome position (GRCh38, 1-based): chr11:77,119,094, G>A. VCF-style: chr11-77119094-G-A. GRCh37 (hg19) VCF-style: chr11-76830140-G-A.
Other names: c.1232G>A (NM_004055.4); short protein forms R411Q.
Identifiers: ClinVar variation 1035337 (VCV001035337.10), dbSNP rs782372843, ClinGen allele CA6196731.

ClinVar aggregate classification (germline): Conflicting classifications of pathogenicity. Review status: criteria provided, conflicting classifications (1 of 4 stars). 3 submissions from 3 submitters: Uncertain significance (1); Likely benign (2). Last evaluated 2024-09-04.

Conditions:
Inborn genetic diseases. Identifiers: MedGen C0950123, MeSH D030342.

Allele frequency attached by ClinVar (database versions not stated): gnomAD 0.00001 and 0.00002; TOPMed 0.00003; ExAC 0.00013.
gnomAD v4.1: 48 of 1,613,940 alleles (0.003%); highest among the groups gnomAD compares: Admixed American, 0.032%; no homozygotes.

Submissions (3):

Ambry Genetics
Classification: Likely benign for Inborn genetic diseases. Last evaluated: 2024-09-04. Review status: criteria provided, single submitter. Criteria: Ambry Variant Classification Scheme 2023. Collection method: clinical testing. Allele origin: germline.

Blueprint Genetics
Classification: Likely benign. Last evaluated: 2023-03-28. Review status: criteria provided, single submitter. Criteria: ACMG Guidelines, 2015. Collection method: clinical testing. Allele origin: germline.

Labcorp Genetics (formerly Invitae), Labcorp
Classification: Uncertain significance. Last evaluated: 2022-08-09. Review status: criteria provided, single submitter. Criteria: Invitae Variant Classification Sherloc (09022015). Collection method: clinical testing. Allele origin: germline.
Comment: In summary, the available evidence is currently insufficient to determine the role of this variant in disease. Therefore, it has been classified as a Variant of Uncertain Significance. Algorithms developed to predict the effect of missense changes on protein structure and function output the following: SIFT: "Tolerated"; PolyPhen-2: "Benign"; Align-GVGD: "Class C0". The glutamine amino acid residue is found in multiple mammalian species, which suggests that this missense change does not adversely affect protein function. ClinVar contains an entry for this variant (Variation ID: 1035337). This variant has not been reported in the literature in individuals affected with CAPN5-related conditions. This sequence change replaces arginine, which is basic and polar, with glutamine, which is neutral and polar, at codon 411 of the CAPN5 protein (p.Arg411Gln). This variant is present in population databases (rs782372843, gnomAD 0.05%), and has an allele count higher than expected for a pathogenic variant.